The following is an entry in ClinVar:

ClinVar aggregate classification (germline): Uncertain significance. Review status: criteria provided, multiple submitters, no conflicts (2 of 4 stars). 2 submissions from 2 submitters: Uncertain significance (2). Last evaluated 2026-01-05.

Conditions:
Retinitis pigmentosa 45 (RP45). Identifiers: Orphanet 791, MedGen C3151066, MONDO:0013413, OMIM 613767.

Allele frequency attached by ClinVar (database versions not stated): gnomAD exomes 0.00001; ExAC 0.00002.
gnomAD v4.1: 7 of 1,613,800 alleles (0.00043%); highest among the groups gnomAD compares: Admixed American, 0.0067%; no homozygotes.

Submissions (2):

Labcorp Genetics (formerly Invitae), Labcorp
Classification: Uncertain significance. Last evaluated: 2026-01-05. Review status: criteria provided, single submitter. Criteria: Invitae Variant Classification Sherloc (09022015). Collection method: clinical testing. Allele origin: germline.
Comment: This sequence change replaces threonine, which is neutral and polar, with lysine, which is basic and polar, at codon 559 of the CNGB1 protein (p.Thr559Lys). This variant is present in population databases (rs768874859, gnomAD 0.009%). This variant has not been reported in the literature in individuals affected with CNGB1-related conditions. ClinVar contains an entry for this variant (Variation ID: 1426645). Invitae Evidence Modeling of protein sequence and biophysical properties (such as structural, functional, and spatial information, amino acid conservation, physicochemical variation, residue mobility, and thermodynamic stability) indicates that this missense variant is not expected to disrupt CNGB1 protein function with a negative predictive value of 80%. In summary, the available evidence is currently insufficient to determine the role of this variant in disease. Therefore, it has been classified as a Variant of Uncertain Significance.

Fulgent Genetics
Classification: Uncertain significance for Retinitis pigmentosa 45. Last evaluated: 2022-01-14. Review status: criteria provided, single submitter. Criteria: ACMG Guidelines, 2015. Collection method: clinical testing. Allele origin: unknown.

NM_001297.5(CNGB1):c.1676C>A (p.Thr559Lys)

Gene: CNGB1 (cyclic nucleotide gated channel subunit beta 1; minus strand). Cytogenetic location: 16q21.
Variant type: single nucleotide variant.
Coding change: c.1676C>A on transcript NM_001297.5 (MANE Select); coding-DNA position 1676, C replaced by A.
Protein change: p.Thr559Lys; replaces threonine 559 with lysine.
Molecular consequence: missense variant.
Genome position (GRCh38, 1-based): chr16:57,920,512, G>T on the plus strand (C>A on the coding strand, the complement: CNGB1 is on the minus strand). VCF-style: chr16-57920512-G-T. GRCh37 (hg19) VCF-style: chr16-57954416-G-T.
Other names: c.1658C>A, p.Thr553Lys (NM_001286130.2); short protein forms T553K, T559K.
Identifiers: ClinVar variation 1426645 (VCV001426645.7), dbSNP rs768874859, ClinGen allele CA8083328.